The following is an entry in ClinVar:

ClinVar aggregate classification (germline): Pathogenic. Review status: criteria provided, multiple submitters, no conflicts (2 of 4 stars). 3 submissions from 3 submitters: Pathogenic (3). Last evaluated 2024-04-24.

Conditions:
Hereditary cancer-predisposing syndrome. Also called: Neoplastic Syndromes, Hereditary; Tumor predisposition; Hereditary Cancer Syndrome; Hereditary neoplastic syndrome. Identifiers: Orphanet 140162, MedGen C0027672, MeSH D009386, MONDO:0015356.
Oligodontia-cancer predisposition syndrome. Also called: TOOTH AGENESIS-COLORECTAL CANCER SYNDROME. Identifiers: Orphanet 300576, MedGen C1837750, MONDO:0012075, OMIM 608615. Disease mechanism: loss of function.

Submissions (3):

Myriad Genetics, Inc.
Classification: Pathogenic for Oligodontia-cancer predisposition syndrome. Last evaluated: 2024-04-24. Review status: criteria provided, single submitter. Criteria: Myriad Autosomal Dominant, Autosomal Recessive and X-Linked Classification Criteria (2023). Collection method: clinical testing. Allele origin: unknown.
Comment: This variant is considered pathogenic. This variant creates a frameshift predicted to result in premature protein truncation.

Labcorp Genetics (formerly Invitae), Labcorp
Classification: Pathogenic for Oligodontia-cancer predisposition syndrome. Last evaluated: 2021-06-05. Review status: criteria provided, single submitter. Criteria: Invitae Variant Classification Sherloc (09022015). Collection method: clinical testing. Allele origin: germline.
Comment: This variant is not present in population databases (ExAC no frequency). This sequence change creates a premature translational stop signal (p.Gly665Serfs*24) in the AXIN2 gene. It is expected to result in an absent or disrupted protein product. Loss-of-function variants in AXIN2 are known to be pathogenic (PMID: 15042511, 21416598). This variant has not been reported in the literature in individuals with AXIN2-related conditions. For these reasons, this variant has been classified as Pathogenic.

Ambry Genetics
Classification: Pathogenic for Hereditary cancer-predisposing syndrome. Last evaluated: 2020-08-07. Review status: criteria provided, single submitter. Criteria: Ambry Variant Classification Scheme 2023. Collection method: clinical testing. Allele origin: germline.
Comment: The c.1993_1994delGGinsT pathogenic mutation, located in coding exon 7 of the AXIN2 gene, results from the deletion of two nucleotides and insertion of one nucleotide causing a translational frameshift with a predicted alternate stop codon (p.G665Sfs*24). This alteration is expected to result in loss of function by premature protein truncation or nonsense-mediated mRNA decay. As such, this alteration is interpreted as a disease-causing mutation.

Literature cited by the submitters: PubMed 15042511 (cited by Labcorp Genetics (formerly Invitae), Labcorp); PubMed 21416598 (cited by Labcorp Genetics (formerly Invitae), Labcorp).

NM_004655.4(AXIN2):c.1993_1994delinsT (p.Gly665fs)

Gene: AXIN2 (axin 2; minus strand). Cytogenetic location: 17q24.1.
Variant type: Indel.
Coding change: c.1993_1994delinsT on transcript NM_004655.4 (MANE Select); coding-DNA positions 1993 to 1994, GG replaced by T.
Protein change: p.Gly665fs; shifts the reading frame from glycine 665.
Molecular consequence: frameshift variant.
Genome position (GRCh38, 1-based): chr17:65,536,467-65,536,468, CC replaced by A on the plus strand (GG replaced by T on the coding strand, the reverse complement: AXIN2 is on the minus strand). VCF-style: chr17-65536467-CC-A. GRCh37 (hg19) VCF-style: chr17-63532585-CC-A.
Other names: c.1798_1799delinsT, p.Gly600fs (NM_001363813.1); short protein forms G600fs, G665fs.
Identifiers: ClinVar variation 1784003 (VCV001784003.8), dbSNP rs2509402624, ClinGen allele CA2580094662.